The following is an entry in ClinVar:

NM_000234.3(LIG1):c.488G>T (p.Ser163Ile)

Gene: LIG1 (DNA ligase 1; minus strand). Cytogenetic location: 19q13.33.
Variant type: single nucleotide variant.
Coding change: c.488G>T on transcript NM_000234.3 (MANE Select); coding-DNA position 488, G replaced by T.
Protein change: p.Ser163Ile; replaces serine 163 with isoleucine.
Molecular consequence: missense variant. On other transcripts: non-coding transcript variant (6), intron variant (1).
Genome position (GRCh38, 1-based): chr19:48,151,318, C>A on the plus strand (G>T on the coding strand, the complement: LIG1 is on the minus strand). VCF-style: chr19-48151318-C-A. GRCh37 (hg19) VCF-style: chr19-48654575-C-A.
Other names: c.395G>T, p.Ser132Ile (NM_001289063.2); c.485G>T, p.Ser162Ile (NM_001320970.2); c.398G>T, p.Ser133Ile (NM_001320971.2); c.371-1108G>T (NM_001289064.2); short protein forms S132I, S163I, S162I, S133I.
Identifiers: ClinVar variation 1393052 (VCV001393052.6), dbSNP rs2122856557, ClinGen allele CA406656267.
Genomic context (GRCh38, chr19:48,151,318, plus strand): 5'-GTGGTGGGCTGGTCCCCGTCTTCTCCTTCCTTCTCTGTGGCCACTTCAGCCTCTGTGAGG[C>A]TTTCTTTCGGGGTCTCCTCTTCTGACGATAGACAGAACGGTCAGATGGCAAAAAAATCCC-3'
Protein context (NP_000225.1, residues 153-173): EEEEEETPKE[Ser163Ile]LTEAEVATEK

ClinVar aggregate classification (germline): Uncertain significance (1 of 4 stars; one submission).

gnomAD v4.1: 9 of 1,613,326 alleles (0.00056%); highest among the groups gnomAD compares: Non-Finnish European, 0.00076%; no homozygotes.

Submission:

Labcorp Genetics (formerly Invitae), Labcorp
Classification: Uncertain significance. Last evaluated: 2022-10-13. Review status: criteria provided, single submitter. Criteria: Invitae Variant Classification Sherloc (09022015). Collection method: clinical testing. Allele origin: germline.
Comment: In summary, the available evidence is currently insufficient to determine the role of this variant in disease. Therefore, it has been classified as a Variant of Uncertain Significance. Algorithms developed to predict the effect of missense changes on protein structure and function are either unavailable or do not agree on the potential impact of this missense change (SIFT: "Deleterious"; PolyPhen-2: "Benign"; Align-GVGD: "Class C0"). ClinVar contains an entry for this variant (Variation ID: 1393052). This variant has not been reported in the literature in individuals affected with LIG1-related conditions. This variant is not present in population databases (gnomAD no frequency). This sequence change replaces serine, which is neutral and polar, with isoleucine, which is neutral and non-polar, at codon 163 of the LIG1 protein (p.Ser163Ile).